The following is an entry in ClinVar:

ClinVar aggregate classification (germline): Uncertain significance (1 of 4 stars; one submission).

Submission:

GeneDx
Classification: Uncertain significance. Last evaluated: 2019-04-16. Review status: criteria provided, single submitter. Criteria: GeneDx Variant Classification Process June 2021. Collection method: clinical testing. Allele origin: germline. Affected: yes.
Comment: Not observed in large population cohorts (Lek et al., 2016); In silico analysis, which includes protein predictors and evolutionary conservation, supports that this variant does not alter protein structure/function; Has not been previously published as pathogenic or benign to our knowledge

NM_001282531.3(ADNP):c.953G>T (p.Gly318Val)

Gene: ADNP (activity dependent neuroprotector homeobox; minus strand). Cytogenetic location: 20q13.13.
Variant type: single nucleotide variant.
Coding change: c.953G>T on transcript NM_001282531.3 (MANE Select); coding-DNA position 953, G replaced by T.
Protein change: p.Gly318Val; replaces glycine 318 with valine.
Molecular consequence: missense variant.
Genome position (GRCh38, 1-based): chr20:50,893,761, C>A on the plus strand (G>T on the coding strand, the complement: ADNP is on the minus strand). VCF-style: chr20-50893761-C-A. GRCh37 (hg19) VCF-style: chr20-49510298-C-A.
Other names: c.953G>T, p.Gly318Val (NM_001282532.2, NM_001347511.2, NM_015339.5 and 1 more transcripts); short protein forms G318V.
Identifiers: ClinVar variation 1305248 (VCV001305248.2), dbSNP rs2122758683, ClinGen allele CA408974947.